The following is an entry in ClinVar:

NM_005045.4(RELN):c.4640G>A (p.Arg1547Gln)

Gene: RELN (reelin; minus strand). Cytogenetic location: 7q22.1.
Variant type: single nucleotide variant.
Coding change: c.4640G>A on transcript NM_005045.4 (MANE Select); coding-DNA position 4640, G replaced by A.
Protein change: p.Arg1547Gln; replaces arginine 1547 with glutamine.
Molecular consequence: missense variant.
Genome position (GRCh38, 1-based): chr7:103,566,708, C>T on the plus strand (G>A on the coding strand, the complement: RELN is on the minus strand). VCF-style: chr7-103566708-C-T. GRCh37 (hg19) VCF-style: chr7-103207155-C-T.
Other names: c.4640G>A, p.Arg1547Gln (NM_173054.3); short protein forms R1547Q.
Identifiers: ClinVar variation 658551 (VCV000658551.11), dbSNP rs774277969, ClinGen allele CA4421451.
Genomic context (GRCh38, chr7:103,566,708, plus strand): 5'-TCCTGTGGCAGGTCAATGGAAATGATCTGTGGTTCCAGGAAGGACATGAAGTCCAACTCT[C>T]GAAGCAAATGCCAGAGTATCCCATTGTCATTTGAATACTGAACAATAAGCCCTGAGTTAA-3'
Protein context (NP_005036.2, residues 1537-1557): NDNGILWHLL[Arg1547Gln]ELDFMSFLEP

ClinVar aggregate classification (germline): Uncertain significance. Review status: criteria provided, multiple submitters, no conflicts (2 of 4 stars). 2 submissions from 2 submitters: Uncertain significance (2). Last evaluated 2026-01-09.

Conditions:
Familial temporal lobe epilepsy 7. Identifiers: Orphanet 101046, MedGen C4225327, MONDO:0014639, OMIM 616436.
Norman-Roberts syndrome (LIS2). Also called: Lissencephaly 2 (Norman-Roberts type). Identifiers: Orphanet 89844, MedGen C0796089, MONDO:0009760, OMIM 257320.

Allele frequency attached by ClinVar (database versions not stated): gnomAD exomes 0.00002; TOPMed 0.00002; gnomAD 0.00003; ExAC 0.00001.
gnomAD v4.1: 31 of 1,613,952 alleles (0.0019%); highest among the groups gnomAD compares: Admixed American, 0.012%; no homozygotes.

Submissions (2):

Labcorp Genetics (formerly Invitae), Labcorp
Classification: Uncertain significance for Familial temporal lobe epilepsy 7; Norman-Roberts syndrome. Last evaluated: 2026-01-09. Review status: criteria provided, single submitter. Criteria: Invitae Variant Classification Sherloc (09022015). Collection method: clinical testing. Allele origin: germline.
Comment: This sequence change replaces arginine, which is basic and polar, with glutamine, which is neutral and polar, at codon 1547 of the RELN protein (p.Arg1547Gln). This variant is present in population databases (rs774277969, gnomAD 0.009%). This variant has not been reported in the literature in individuals affected with RELN-related conditions. ClinVar contains an entry for this variant (Variation ID: 658551). Invitae Evidence Modeling of protein sequence and biophysical properties (such as structural, functional, and spatial information, amino acid conservation, physicochemical variation, residue mobility, and thermodynamic stability) indicates that this missense variant is not expected to disrupt RELN protein function with a negative predictive value of 80%. In summary, the available evidence is currently insufficient to determine the role of this variant in disease. Therefore, it has been classified as a Variant of Uncertain Significance.

Women's Health and Genetics/Laboratory Corporation of America, LabCorp
Classification: Uncertain significance. Last evaluated: 2023-10-19. Review status: criteria provided, single submitter. Criteria: LabCorp Variant Classification Summary - May 2015. Collection method: clinical testing. Allele origin: germline.
Comment: Variant summary: RELN c.4640G>A (p.Arg1547Gln) results in a conservative amino acid change in the encoded protein sequence. Three of five in-silico tools predict a benign effect of the variant on protein function. The variant allele was found at a frequency of 2.4e-05 in 251316 control chromosomes. The available data on variant occurrences in the general population are insufficient to allow any conclusion about variant significance. To our knowledge, no occurrence of c.4640G>A in individuals affected with Epilepsy Familial Temporal Lobe 7 and no experimental evidence demonstrating its impact on protein function have been reported. One submitter has cited clinical-significance assessments for this variant to ClinVar after 2014 and has classified the variant as uncertain significance. Based on the evidence outlined above, the variant was classified as uncertain significance.